The following is an entry in ClinVar:

NM_001267550.2(TTN):c.41458G>A (p.Val13820Met)

Gene: TTN (titin; minus strand). Cytogenetic location: 2q31.2.
Variant type: single nucleotide variant.
Coding change: c.41458G>A on transcript NM_001267550.2 (MANE Select); coding-DNA position 41458, G replaced by A.
Protein change: p.Val13820Met; replaces valine 13820 with methionine.
Molecular consequence: missense variant.
Genome position (GRCh38, 1-based): chr2:178,636,113, C>T on the plus strand (G>A on the coding strand, the complement: TTN is on the minus strand). VCF-style: chr2-178636113-C-T. GRCh37 (hg19) VCF-style: chr2-179500840-C-T.
Other names: c.36535G>A, p.Val12179Met (NM_001256850.1); c.14263G>A, p.Val4755Met (NM_003319.4); c.33754G>A, p.Val11252Met (NM_133378.4); c.14638G>A, p.Val4880Met (NM_133432.3); c.14839G>A, p.Val4947Met (NM_133437.4); short protein forms V11252M, V12179M, V13820M, V4755M, V4880M, V4947M.
Identifiers: ClinVar variation 1712013 (VCV001712013.3), dbSNP rs376127282, ClinGen allele CA1996259.

ClinVar aggregate classification (germline): Uncertain significance. Review status: criteria provided, multiple submitters, no conflicts (2 of 4 stars). 2 submissions from 2 submitters: Uncertain significance (2). Last evaluated 2025-06-04.

Conditions:
TTN-related disorder. Also called: TTN-related disorders; TTN-related condition; TTN-related disease.

Allele frequency attached by ClinVar (database versions not stated): TOPMed below 0.00001; ExAC 0.00001; gnomAD 0.00001; gnomAD exomes 0.00001; ESP Exome Variant Server 0.00008.
gnomAD v4.1: 5 of 1,613,074 alleles (0.00031%); highest among the groups gnomAD compares: Non-Finnish European, 0.00042%; no homozygotes.

Submissions (2):

PreventionGenetics, part of Exact Sciences
Classification: Uncertain significance for TTN-related condition. Last evaluated: 2025-06-04. Review status: criteria provided, single submitter. Criteria: ACMG Guidelines, 2015. Collection method: clinical testing. Allele origin: germline.
Comment: The TTN c.41458G>A variant is predicted to result in the amino acid substitution p.Val13820Met. To our knowledge, this variant has not been reported in the literature. This variant is reported in 0.0018% of alleles in individuals of European (Non-Finnish) descent in gnomAD. At this time, the clinical significance of this variant is uncertain due to the absence of conclusive functional and genetic evidence.

GeneDx
Classification: Uncertain significance. Last evaluated: 2022-04-20. Review status: criteria provided, single submitter. Criteria: GeneDx Variant Classification Process June 2021. Collection method: clinical testing. Allele origin: germline. Affected: yes.
Comment: Not observed at significant frequency in large population cohorts (gnomAD); Missense variant in a gene in which most reported pathogenic variants are truncating/loss of function; Has not been previously published as pathogenic or benign to our knowledge; This variant is associated with the following publications: (PMID: 23975875)